The following is an entry in ClinVar:

ClinVar aggregate classification (germline): Likely benign. Review status: criteria provided, multiple submitters, no conflicts (2 of 4 stars). 2 submissions from 2 submitters: Likely benign (2). Last evaluated 2025-12-09.

Conditions:
SYNJ1-related disorder. Also called: SYNJ1-related condition.
Early-onset Parkinson disease 20. Also called: PARKINSON DISEASE 20, AUTOSOMAL RECESSIVE EARLY-ONSET. Identifiers: Orphanet 391411, MedGen C3809824, MONDO:0014233, OMIM 615530.
Developmental and epileptic encephalopathy, 53. Also called: Epileptic encephalopathy, early infantile, 53. Identifiers: MedGen C4479313, MONDO:0033362, OMIM 617389.

Allele frequency attached by ClinVar (database versions not stated): gnomAD below 0.00001 and 0.00016; TOPMed 0.00004; gnomAD exomes 0.00023 and 0.00037; 1000 Genomes Project 0.00040; 1000 Genomes Project 30x 0.00047; ExAC 0.00050.
gnomAD v4.1: 335 of 1,538,728 alleles (0.022%); highest among the groups gnomAD compares: South Asian, 0.38%; 6 homozygotes.

Submissions (2):

PreventionGenetics, part of Exact Sciences
Classification: Likely benign for SYNJ1-related condition. Last evaluated: 2025-12-09. Review status: criteria provided, single submitter. Criteria: ACMG Guidelines, 2015. Collection method: clinical testing. Allele origin: germline.
Comment: This variant is classified as likely benign based on ACMG/AMP sequence variant interpretation guidelines (Richards et al. 2015 PMID: 25741868, with internal and published modifications).

Labcorp Genetics (formerly Invitae), Labcorp
Classification: Likely benign for Developmental and epileptic encephalopathy, 53; Early-onset Parkinson disease 20. Last evaluated: 2025-12-01. Review status: criteria provided, single submitter. Criteria: Invitae Variant Classification Sherloc (09022015). Collection method: clinical testing. Allele origin: germline.

NM_203446.3(SYNJ1):c.883A>C (p.Lys295Gln)

Gene: SYNJ1 (synaptojanin 1; minus strand). Cytogenetic location: 21q22.11.
Variant type: single nucleotide variant.
Coding change: c.883A>C on transcript NM_203446.3 (MANE Select); coding-DNA position 883, A replaced by C.
Protein change: p.Lys295Gln; replaces lysine 295 with glutamine.
Molecular consequence: missense variant.
Genome position (GRCh38, 1-based): chr21:32,687,043, T>G on the plus strand (A>C on the coding strand, the complement: SYNJ1 is on the minus strand). VCF-style: chr21-32687043-T-G. GRCh37 (hg19) VCF-style: chr21-34059353-T-G.
Other names: c.883A>C, p.Lys295Gln (NM_001160302.2, NM_001160306.2); c.1000A>C, p.Lys334Gln (NM_003895.4); short protein forms K334Q, K295Q.
Identifiers: ClinVar variation 707464 (VCV000707464.12), dbSNP rs554456240, ClinGen allele CA10004009.